The following is an entry in ClinVar:

ClinVar aggregate classification (germline): Likely benign. Review status: criteria provided, multiple submitters, no conflicts (2 of 4 stars). 3 submissions from 3 submitters: Likely benign (3). Last evaluated 2026-06-24.

Conditions:
WNK1-related disorder. Also called: WNK1-related condition.
Neuropathy, hereditary sensory and autonomic, type 2A (HSAN2A). Also called: ACROOSTEOLYSIS, GIACCAI TYPE; ACROOSTEOLYSIS, NEUROGENIC; MORVAN DISEASE; NEUROPATHY, CONGENITAL SENSORY; NEUROPATHY, HEREDITARY SENSORY RADICULAR, AUTOSOMAL RECESSIVE; NEUROPATHY, HEREDITARY SENSORY, TYPE IIA. Identifiers: Orphanet 970, MedGen C2752089, MONDO:0024309, OMIM 201300.
Pseudohypoaldosteronism type 2C (PHA2C). Also called: Pseudohypoaldosteronism Type IIC. Identifiers: Orphanet 757, Orphanet 88940, MedGen C1840391, MONDO:0013778, OMIM 614492.

Allele frequency attached by ClinVar (database versions not stated): gnomAD 0.00002 and 0.00003; TOPMed 0.00002; ESP Exome Variant Server 0.00015.
gnomAD v4.1: 60 of 1,607,700 alleles (0.0037%); highest among the groups gnomAD compares: Non-Finnish European, 0.0048%; no homozygotes.

Submissions (3):

PreventionGenetics, part of Exact Sciences
Classification: Likely benign for WNK1-related condition. Last evaluated: 2026-06-24. Review status: criteria provided, single submitter. Criteria: ACMG Guidelines, 2015. Collection method: clinical testing. Allele origin: germline.
Comment: This variant is classified as likely benign based on ACMG/AMP sequence variant interpretation guidelines (Richards et al. 2015 PMID: 25741868, with internal and published modifications).

Labcorp Genetics (formerly Invitae), Labcorp
Classification: Likely benign for Neuropathy, hereditary sensory and autonomic, type 2A; Pseudohypoaldosteronism type 2C. Last evaluated: 2024-10-22. Review status: criteria provided, single submitter. Criteria: Invitae Variant Classification Sherloc (09022015). Collection method: clinical testing. Allele origin: germline.

Fulgent Genetics
Classification: Likely benign for Neuropathy, hereditary sensory and autonomic, type 2A; Pseudohypoaldosteronism type 2C. Last evaluated: 2022-02-11. Review status: criteria provided, single submitter. Criteria: ACMG Guidelines, 2015. Collection method: clinical testing. Allele origin: unknown.

NM_018979.4(WNK1):c.6120C>T (p.Ser2040=)

Gene: WNK1 (WNK lysine deficient protein kinase 1; plus strand). Cytogenetic location: 12p13.33.
Variant type: single nucleotide variant.
Coding change: c.6120C>T on transcript NM_018979.4 (MANE Select); coding-DNA position 6120, C replaced by T.
Protein change: p.Ser2040=; no amino-acid change (serine 2040 retained).
Molecular consequence: synonymous variant.
Genome position (GRCh38, 1-based): chr12:896,607, C>T. VCF-style: chr12-896607-C-T. GRCh37 (hg19) VCF-style: chr12-1005773-C-T.
Other names: c.6900C>T, p.Ser2300= (NM_001184985.2); c.5376C>T, p.Ser1792= (NM_014823.3); c.6876C>T, p.Ser2292= (NM_213655.5); c.6120C>T (NM_018979.3).
Identifiers: ClinVar variation 1115112 (VCV001115112.11), dbSNP rs142439139, ClinGen allele CA231486831.
Genomic context (GRCh38, chr12:896,607, plus strand): 5'-TAGGGATGTGGATGATGGTTCCGGTAGTCCACACTCGCCCCATCAGCTGAGCTCAAAGAG[C>T]CTTCCTAGCCAGAATCTAAGTCAAAGCCTTAGTAATTCATTTAACTCCTCTTACATGAGT-3'
Protein context (NP_061852.3, residues 2030-2050): PHSPHQLSSK[Ser2040=]LPSQNLSQSL